The following is an entry in ClinVar:

ClinVar aggregate classification (germline): Uncertain significance. Review status: criteria provided, multiple submitters, no conflicts (2 of 4 stars). 5 submissions from 5 submitters: Uncertain significance (4). 1 of the submissions does not count toward it. Last evaluated 2023-11-01.

Conditions:
Hereditary cancer-predisposing syndrome. Also called: Neoplastic Syndromes, Hereditary; Hereditary Cancer Syndrome; Hereditary neoplastic syndrome; Tumor predisposition. Identifiers: Orphanet 140162, MedGen C0027672, MeSH D009386, MONDO:0015356.
Aplastic anemia. Identifiers: Orphanet 182040, Orphanet 88, MedGen C0002874, MONDO:0015909, OMIM 609135, HP:0001915.
Microcephaly, normal intelligence and immunodeficiency (NBS). Also called: Immunodeficiency, microcephaly with normal intelligence; SEEMANOVA SYNDROME II; Nijmegen breakage syndrome; Microcephaly with normal intelligence immunodeficiency and lymphoreticular malignancies; Nonsyndromal microcephaly autosomal recessive with normal intelligence; Seemanova syndrome 2. Identifiers: Orphanet 647, MedGen C0398791, MONDO:0009623, OMIM 251260.

Allele frequency attached by ClinVar (database versions not stated): TOPMed below 0.00001; gnomAD 0.00003.
gnomAD v4.1: 9 of 1,591,980 alleles (0.00057%); highest among the groups gnomAD compares: Non-Finnish European, 0.00078%; no homozygotes.

Submissions (5):

Labcorp Genetics (formerly Invitae), Labcorp
Classification: Uncertain significance for Microcephaly, normal intelligence and immunodeficiency. Last evaluated: 2023-11-01. Review status: criteria provided, single submitter. Criteria: Invitae Variant Classification Sherloc (09022015). Collection method: clinical testing. Allele origin: germline.
Comment: This sequence change replaces proline, which is neutral and non-polar, with leucine, which is neutral and non-polar, at codon 170 of the NBN protein (p.Pro170Leu). This variant is present in population databases (rs587782411, gnomAD 0.002%). This missense change has been observed in individual(s) with serous ovarian cancer (PMID: 26315354). ClinVar contains an entry for this variant (Variation ID: 142367). An algorithm developed to predict the effect of missense changes on protein structure and function (PolyPhen-2) suggests that this variant is likely to be disruptive. In summary, the available evidence is currently insufficient to determine the role of this variant in disease. Therefore, it has been classified as a Variant of Uncertain Significance.

Baylor Genetics
Classification: Uncertain significance for Aplastic anemia. Last evaluated: 2023-01-25. Review status: criteria provided, single submitter. Criteria: ACMG Guidelines, 2015. Collection method: clinical testing. Allele origin: unknown.

Ambry Genetics
Classification: Uncertain significance for Hereditary cancer-predisposing syndrome. Last evaluated: 2022-12-19. Review status: criteria provided, single submitter. Criteria: Ambry Variant Classification Scheme 2023. Collection method: clinical testing. Allele origin: germline.
Comment: The p.P170L variant (also known as c.509C>T) is located in coding exon 5 of the NBN gene. This alteration results from a C to T substitution at nucleotide position 509. The proline at codon 170 is replaced by leucine, an amino acid with similar properties. In one study, this alteration was observed in 1/3236 cases with invasive epithelial ovarian cancer and 0/3431 controls (Ramus SJ et al. J. Natl. Cancer Inst. 2015 Nov;107(11). Based on protein sequence alignment, this amino acid position is highly conserved in available vertebrate species. In addition, this alteration is predicted to be deleterious by in silico analysis. Since supporting evidence is limited at this time, the clinical significance of this alteration remains unclear.

Genome-Nilou Lab
Classification: Uncertain significance for Microcephaly, normal intelligence and immunodeficiency. Last evaluated: 2021-11-07. Review status: criteria provided, single submitter. Criteria: ACMG Guidelines, 2015. Collection method: clinical testing. Allele origin: germline. Affected: no.

True Health Diagnostics
Classification: Uncertain significance for Hereditary cancer-predisposing syndrome. Last evaluated: 2018-08-24. Review status: no assertion criteria provided. Collection method: clinical testing. Allele origin: germline. Not counted in ClinVar's aggregate classification.

Literature cited by the submitters: PubMed 26315354 (cited by Labcorp Genetics (formerly Invitae), Labcorp and Ambry Genetics).

NM_002485.5(NBN):c.509C>T (p.Pro170Leu)

Gene: NBN (nibrin; minus strand). Cytogenetic location: 8q21.3.
Variant type: single nucleotide variant.
Coding change: c.509C>T on transcript NM_002485.5 (MANE Select); coding-DNA position 509, C replaced by T.
Protein change: p.Pro170Leu; replaces proline 170 with leucine.
Molecular consequence: missense variant.
Genome position (GRCh38, 1-based): chr8:89,978,295, G>A on the plus strand (C>T on the coding strand, the complement: NBN is on the minus strand). VCF-style: chr8-89978295-G-A. GRCh37 (hg19) VCF-style: chr8-90990523-G-A.
Other names: c.263C>T, p.Pro88Leu (NM_001024688.3); short protein forms P170L, P88L.
Identifiers: ClinVar variation 142367 (VCV000142367.21), dbSNP rs587782411, ClinGen allele CA168174.